The following is an entry in ClinVar:

ClinVar aggregate classification (germline): Pathogenic (1 of 4 stars; one submission).

Conditions:
Mucopolysaccharidosis type 6 (MPS6). Also called: MPS 6; Maroteaux Lamy syndrome; MPS VI; N-ACETYLGALACTOSAMINE-4-SULFATASE DEFICIENCY; ARSB DEFICIENCY; ARYLSULFATASE B DEFICIENCY. Identifiers: Orphanet 583, MedGen C0026709, MONDO:0009661, OMIM 253200.

Submission:

Labcorp Genetics (formerly Invitae), Labcorp
Classification: Pathogenic for Mucopolysaccharidosis type 6. Last evaluated: 2021-09-15. Review status: criteria provided, single submitter. Criteria: Invitae Variant Classification Sherloc (09022015). Collection method: clinical testing. Allele origin: germline.
Comment: This sequence change affects a donor splice site in intron 7 of the ARSB gene. While this variant is not anticipated to result in nonsense mediated decay, it likely alters RNA splicing and results in a disrupted protein product. This variant is not present in population databases (ExAC no frequency). Disruption of this splice site has been observed in individual(s) with mucopolysaccharidosis type VI (PMID: 4974081, 17458871, 24875751). Variants that disrupt the consensus splice site are a relatively common cause of aberrant splicing (PMID: 17576681, 9536098). Algorithms developed to predict the effect of sequence changes on RNA splicing suggest that this variant may disrupt the consensus splice site. For these reasons, this variant has been classified as Pathogenic.

Literature cited by the submitters: PubMed 4974081; PubMed 17458871; PubMed 24875751; PubMed 17576681; PubMed 9536098.

NM_000046.5(ARSB):c.1336+2T>C

Gene: ARSB (arylsulfatase B; minus strand). Cytogenetic location: 5q14.1.
Variant type: single nucleotide variant.
Coding change: c.1336+2T>C on transcript NM_000046.5 (MANE Select); the canonical splice donor site of the intron after coding-DNA position 1336, T replaced by C.
Molecular consequence: splice donor variant.
Genome position (GRCh38, 1-based): chr5:78,781,850, A>G on the plus strand (T>C on the coding strand, the complement: ARSB is on the minus strand). VCF-style: chr5-78781850-A-G. GRCh37 (hg19) VCF-style: chr5-78077673-A-G.
Identifiers: ClinVar variation 1454563 (VCV001454563.6), dbSNP rs768012515, ClinGen allele CA360339339.